The following is an entry in ClinVar:

ClinVar aggregate classification (germline): Likely benign (1 of 4 stars; one submission).

Allele frequency attached by ClinVar (database versions not stated): gnomAD 0.00001 and 0.00004; ExAC 0.00002; gnomAD exomes 0.00002 and 0.00004; TOPMed 0.00006.
gnomAD v4.1: 42 of 1,612,594 alleles (0.0026%); highest among the groups gnomAD compares: Admixed American, 0.005%; no homozygotes.

Submission:

GeneDx
Classification: Likely benign. Last evaluated: 2012-11-14. Review status: criteria provided, single submitter. Criteria: GeneDx Variant Classification (06012015). Collection method: clinical testing. Allele origin: germline. Affected: yes.
Comment: This variant is considered likely benign or benign based on one or more of the following criteria: it is a conservative change, it occurs at a poorly conserved position in the protein, it is predicted to be benign by multiple in silico algorithms, and/or has population frequency not consistent with disease.

NM_001267550.2(TTN):c.32225C>T (p.Ser10742Leu)

Gene: TTN (titin; minus strand). Cytogenetic location: 2q31.2.
Variant type: single nucleotide variant.
Coding change: c.32225C>T on transcript NM_001267550.2 (MANE Select); coding-DNA position 32225, C replaced by T.
Protein change: p.Ser10742Leu; replaces serine 10742 with leucine.
Molecular consequence: missense variant. On other transcripts: intron variant (3).
Genome position (GRCh38, 1-based): chr2:178,688,197, G>A on the plus strand (C>T on the coding strand, the complement: TTN is on the minus strand). VCF-style: chr2-178688197-G-A. GRCh37 (hg19) VCF-style: chr2-179552924-G-A.
Other names: p.S10425L:TCA>TTA; c.31274C>T, p.Ser10425Leu (NM_001256850.1); c.28493C>T, p.Ser9498Leu (NM_133378.4); c.13283-45880C>T (NM_003319.4); c.13859-45880C>T (NM_133437.4); c.13658-45880C>T (NM_133432.3); short protein forms S10425L, S10742L, S9498L.
Identifiers: ClinVar variation 202299 (VCV000202299.1), dbSNP rs777586144, ClinGen allele CA309009.